The following is an entry in ClinVar:

ClinVar aggregate classification (germline): Uncertain significance (1 of 4 stars; one submission).

Allele frequency attached by ClinVar (database versions not stated): gnomAD exomes below 0.00001.

Submission:

Ambry Genetics
Classification: Uncertain significance. Last evaluated: 2024-08-04. Review status: criteria provided, single submitter. Criteria: Ambry Variant Classification Scheme 2023. Collection method: clinical testing. Allele origin: germline.
Comment: The p.P985S variant (also known as c.2953C>T), located in coding exon 4 of the ALPK2 gene, results from a C to T substitution at nucleotide position 2953. The proline at codon 985 is replaced by serine, an amino acid with similar properties. This amino acid position is conserved. In addition, this alteration is predicted to be tolerated by in silico analysis. Since supporting evidence is limited at this time, the clinical significance of this alteration remains unclear.

NM_052947.4(ALPK2):c.2953C>T (p.Pro985Ser)

Gene: ALPK2 (alpha kinase 2; minus strand). Cytogenetic location: 18q21.31.
Variant type: single nucleotide variant.
Coding change: c.2953C>T on transcript NM_052947.4 (MANE Select); coding-DNA position 2953, C replaced by T.
Protein change: p.Pro985Ser; replaces proline 985 with serine.
Molecular consequence: missense variant.
Genome position (GRCh38, 1-based): chr18:58,537,234, G>A on the plus strand (C>T on the coding strand, the complement: ALPK2 is on the minus strand). VCF-style: chr18-58537234-G-A. GRCh37 (hg19) VCF-style: chr18-56204466-G-A.
Other names: short protein forms P985S.
Identifiers: ClinVar variation 1798083 (VCV001798083.3), dbSNP rs1440266458, ClinGen allele CA402569419.